The following is an entry in ClinVar:

ClinVar aggregate classification (germline): Uncertain significance. Review status: criteria provided, multiple submitters, no conflicts (2 of 4 stars). 2 submissions from 2 submitters: Uncertain significance (2). Last evaluated 2023-11-20.

Conditions:
Classic or attenuated familial adenomatous polyposis. Identifiers: MedGen CN372698, MONDO:0021057.
Hereditary cancer-predisposing syndrome. Also called: Hereditary neoplastic syndrome; Hereditary Cancer Syndrome; Neoplastic Syndromes, Hereditary; Tumor predisposition. Identifiers: Orphanet 140162, MedGen C0027672, MeSH D009386, MONDO:0015356.

Submissions (2):

All of Us Research Program, National Institutes of Health
Classification: Uncertain significance for Classic or attenuated familial adenomatous polyposis. Last evaluated: 2023-11-20. Review status: criteria provided, single submitter. Criteria: ACMG Guidelines, 2015. Collection method: clinical testing. Allele origin: germline. Inheritance: Autosomal dominant inheritance. Observed: 1 variant allele, 1 heterozygote.
Comment: This missense variant replaces isoleucine with methionine at codon 218 of the APC protein. Computational prediction suggests that this variant may not impact protein structure and function (internally defined REVEL score threshold <= 0.5, PMID: 27666373). To our knowledge, functional studies have not been reported for this variant. This variant has not been reported in individuals affected with APC-related disorders in the literature. This variant has not been identified in the general population by the Genome Aggregation Database (gnomAD). The available evidence is insufficient to determine the role of this variant in disease conclusively. Therefore, this variant is classified as a Variant of Uncertain Significance.

This study involves interpretation of variants in research participants for the purpose of population health screening. Participant phenotype was not available at the time of variant classification. Additional details can be found in publication PMID: 35346344, PMCID: PMC8962531

Ambry Genetics
Classification: Uncertain significance for Hereditary cancer-predisposing syndrome. Last evaluated: 2023-05-29. Review status: criteria provided, single submitter. Criteria: Ambry Variant Classification Scheme 2023. Collection method: clinical testing. Allele origin: germline.
Comment: The p.I218M variant (also known as c.654A>G), located in coding exon 6 of the APC gene, results from an A to G substitution at nucleotide position 654. The isoleucine at codon 218 is replaced by methionine, an amino acid with highly similar properties. This amino acid position is conserved. In addition, in silico predictors for this gene do not accurately predict pathogenicity. Since supporting evidence is limited at this time, the clinical significance of this alteration remains unclear.

NM_000038.6(APC):c.654A>G (p.Ile218Met)

Gene: APC (APC regulator of Wnt signaling pathway; plus strand). Cytogenetic location: 5q22.2.
Variant type: single nucleotide variant.
Coding change: c.654A>G on transcript NM_000038.6 (MANE Select); coding-DNA position 654, A replaced by G.
Protein change: p.Ile218Met; replaces isoleucine 218 with methionine.
Molecular consequence: missense variant. On other transcripts: 5 prime UTR variant (4), non-coding transcript variant (2), intron variant (5).
Genome position (GRCh38, 1-based): chr5:112,792,454, A>G. VCF-style: chr5-112792454-A-G. GRCh37 (hg19) VCF-style: chr5-112128151-A-G.
Other names: c.654A>G, p.Ile218Met (NM_001127510.3, NM_001354895.2, NM_001354896.2 and 12 more transcripts); c.684A>G, p.Ile228Met (NM_001354897.2, NM_001354902.2, NM_001407446.1); c.579A>G, p.Ile193Met (NM_001354898.2, NM_001354904.2, NM_001407451.1); c.477A>G, p.Ile159Met (NM_001354900.2, NM_001354901.2, NM_001354905.2 and 1 more transcripts); c.-382A>G (NM_001354906.2, NM_001407470.1, NM_001407471.1 and 1 more transcripts); c.646-8825A>G (NM_001407452.1, NM_001407469.1, NM_001354899.2 and 1 more transcripts); c.676-8825A>G (NM_001127511.3); short protein forms I193M, I228M, I159M, I218M.
Identifiers: ClinVar variation 2567059 (VCV002567059.3), dbSNP rs2532631425, ClinGen allele CA16022764.
Genomic context (GRCh38, chr5:112,792,454, plus strand): 5'-ATTAATATTATTAATAAAAACATAACTAATTAGGTTTCTTGTTTTATTTTAGCGAAGAAT[A>G]GCCAGAATTCAGCAAATCGAAAAGGACATACTTCGTATACGACAGCTTTTACAGTCCCAA-3'
Protein context (NP_000029.2, residues 208-228): QDMEKRAQRR[Ile218Met]ARIQQIEKDI